The following is an entry in ClinVar:

NM_001042492.3(NF1):c.5297C>A (p.Ser1766Ter)

Gene: NF1 (neurofibromin 1; plus strand). Cytogenetic location: 17q11.2.
Variant type: single nucleotide variant.
Coding change: c.5297C>A on transcript NM_001042492.3 (MANE Select); coding-DNA position 5297, C replaced by A.
Protein change: p.Ser1766Ter; replaces serine 1766 with a stop codon.
Molecular consequence: nonsense.
Genome position (GRCh38, 1-based): chr17:31,327,527, C>A. VCF-style: chr17-31327527-C-A. GRCh37 (hg19) VCF-style: chr17-29654545-C-A.
Other names: c.5234C>A, p.Ser1745Ter (NM_000267.4); short protein forms S1745*, S1766*.
Identifiers: ClinVar variation 1456119 (VCV001456119.8), dbSNP rs1555533555, ClinGen allele CA399009008.

ClinVar aggregate classification (germline): Pathogenic (1 of 4 stars; one submission).

Conditions:
Neurofibromatosis, type 1 (NF1). Also called: Neurofibromatosis, type I; VON RECKLINGHAUSEN DISEASE; NEUROFIBROMATOSIS, TYPE I, SOMATIC; Peripheral type neurofibromatosis. Identifiers: Orphanet 636, MedGen C0027831, MONDO:0018975, OMIM 162200. Disease mechanism: loss of function.

Submission:

Labcorp Genetics (formerly Invitae), Labcorp
Classification: Pathogenic for Neurofibromatosis, type 1. Last evaluated: 2025-05-13. Review status: criteria provided, single submitter. Criteria: Invitae Variant Classification Sherloc (09022015). Collection method: clinical testing. Allele origin: germline.
Comment: This sequence change creates a premature translational stop signal (p.Ser1745*) in the NF1 gene. It is expected to result in an absent or disrupted protein product. Loss-of-function variants in NF1 are known to be pathogenic (PMID: 10712197, 23913538). This variant is not present in population databases (gnomAD no frequency). This premature translational stop signal has been observed in individual(s) with clinical features of NF1-related conditions (PMID: 25074460). ClinVar contains an entry for this variant (Variation ID: 1456119). Algorithms developed to predict the effect of sequence changes on RNA splicing suggest that this variant may disrupt the consensus splice site. For these reasons, this variant has been classified as Pathogenic.

Literature cited by the submitters: PubMed 10712197; PubMed 23913538; PubMed 25074460.